The following is an entry in ClinVar:

ClinVar aggregate classification (germline): Conflicting classifications of pathogenicity. Review status: criteria provided, conflicting classifications (1 of 4 stars). 2 submissions from 2 submitters: Uncertain significance (1); Likely benign (1). Last evaluated 2025-05-13.

Conditions:
Joubert syndrome. Also called: CEREBELLOPARENCHYMAL DISORDER IV; JOUBERT-BOLTSHAUSER SYNDROME; Familial aplasia of the vermis. Identifiers: Orphanet 475, MedGen C5979921, MONDO:0018772.
Orofaciodigital syndrome I (OFD1). Also called: OFDS I; Papillon-Leage and Psaume Syndrome; Oral-Facial-Digital Syndrome Type I. Identifiers: Orphanet 2750, MedGen C1510460, MONDO:0010702, OMIM 311200.
Simpson-Golabi-Behmel syndrome type 2. Identifiers: Orphanet 79022, MedGen C1846175, MONDO:0010265, OMIM 300209.
Joubert syndrome 10 (JBTS10). Identifiers: Orphanet 2754, MedGen C2749019, MONDO:0010431, OMIM 300804.
Retinitis pigmentosa 23 (RP23). Identifiers: Orphanet 791, MedGen C1419610, MONDO:0010320, OMIM 300424.

gnomAD v4.1: 24 of 1,209,758 alleles (0.002%); highest among the groups gnomAD compares: Middle Eastern, 0.023%; no homozygotes.

Submissions (2):

Labcorp Genetics (formerly Invitae), Labcorp
Classification: Uncertain significance for Orofaciodigital syndrome I; Joubert syndrome. Last evaluated: 2025-05-13. Review status: criteria provided, single submitter. Criteria: Invitae Variant Classification Sherloc (09022015). Collection method: clinical testing. Allele origin: germline.
Comment: This sequence change replaces arginine, which is basic and polar, with cysteine, which is neutral and slightly polar, at codon 602 of the OFD1 protein (p.Arg602Cys). This variant is present in population databases (rs778453576, gnomAD 0.007%). This variant has not been reported in the literature in individuals affected with OFD1-related conditions. ClinVar contains an entry for this variant (Variation ID: 3598087). Invitae Evidence Modeling of protein sequence and biophysical properties (such as structural, functional, and spatial information, amino acid conservation, physicochemical variation, residue mobility, and thermodynamic stability) indicates that this missense variant is not expected to disrupt OFD1 protein function with a negative predictive value of 80%. In summary, the available evidence is currently insufficient to determine the role of this variant in disease. Therefore, it has been classified as a Variant of Uncertain Significance.

Fulgent Genetics
Classification: Likely benign for Simpson-Golabi-Behmel syndrome type 2; Retinitis pigmentosa 23; Joubert syndrome 10; Orofaciodigital syndrome I. Last evaluated: 2024-05-28. Review status: criteria provided, single submitter. Criteria: ACMG Guidelines, 2015. Collection method: clinical testing. Allele origin: germline.

NM_003611.3(OFD1):c.1804C>T (p.Arg602Cys)

Gene: OFD1 (OFD1 centriole and centriolar satellite protein; plus strand). Cytogenetic location: Xp22.2.
Variant type: single nucleotide variant.
Coding change: c.1804C>T on transcript NM_003611.3 (MANE Select); coding-DNA position 1804, C replaced by T.
Protein change: p.Arg602Cys; replaces arginine 602 with cysteine.
Molecular consequence: missense variant.
Genome position (GRCh38, 1-based): chrX:13,760,264, C>T. VCF-style: chrX-13760264-C-T. GRCh37 (hg19) VCF-style: chrX-13778383-C-T.
Other names: c.1684C>T, p.Arg562Cys (NM_001330209.2); c.1384C>T, p.Arg462Cys (NM_001330210.2); short protein forms R462C, R602C, R562C.
Identifiers: ClinVar variation 3598087 (VCV003598087.3).